The following is an entry in ClinVar:

ClinVar aggregate classification (germline): Conflicting classifications of pathogenicity. Review status: criteria provided, conflicting classifications (1 of 4 stars). 3 submissions from 3 submitters: Uncertain significance (2); Likely benign (1). Last evaluated 2026-03-12.

Conditions:
Hereditary cancer-predisposing syndrome. Also called: Hereditary Cancer Syndrome; Neoplastic Syndromes, Hereditary; Tumor predisposition; Hereditary neoplastic syndrome. Identifiers: Orphanet 140162, MedGen C0027672, MeSH D009386, MONDO:0015356.
Hereditary breast ovarian cancer syndrome. Also called: Breast and ovarian cancer; Hereditary breast and ovarian cancer; Hereditary breast and ovarian cancer syndrome (HBOC); BRCA1- and BRCA2-Associated Hereditary Breast and Ovarian Cancer; Hereditary breast and ovarian cancer syndrome; Hereditary breast and/or ovarian cancer syndrome. Identifiers: Orphanet 145, MedGen C0677776, MeSH D061325, MONDO:0003582. Disease mechanism: loss of function.

Submissions (3):

Ambry Genetics
Classification: Uncertain significance for Hereditary cancer-predisposing syndrome. Last evaluated: 2026-03-12. Review status: criteria provided, single submitter. Criteria: Ambry Variant Classification Scheme 2023. Collection method: clinical testing. Allele origin: germline.
Comment: The p.P1519H variant (also known as c.4556C>A), located in coding exon 10 of the BRCA2 gene, results from a C to A substitution at nucleotide position 4556. The proline at codon 1519 is replaced by histidine, an amino acid with similar properties. This amino acid position is conserved. In addition, the in silico prediction for this alteration is inconclusive. Based on the available evidence, the clinical significance of this variant remains unclear.

Labcorp Genetics (formerly Invitae), Labcorp
Classification: Uncertain significance for Hereditary breast ovarian cancer syndrome. Last evaluated: 2023-08-17. Review status: criteria provided, single submitter. Criteria: Invitae Variant Classification Sherloc (09022015). Collection method: clinical testing. Allele origin: germline.
Comment: In summary, the available evidence is currently insufficient to determine the role of this variant in disease. Therefore, it has been classified as a Variant of Uncertain Significance. Advanced modeling of protein sequence and biophysical properties (such as structural, functional, and spatial information, amino acid conservation, physicochemical variation, residue mobility, and thermodynamic stability) performed at Invitae indicates that this missense variant is not expected to disrupt BRCA2 protein function. ClinVar contains an entry for this variant (Variation ID: 1063864). This variant has not been reported in the literature in individuals affected with BRCA2-related conditions. This variant is not present in population databases (gnomAD no frequency). This sequence change replaces proline, which is neutral and non-polar, with histidine, which is basic and polar, at codon 1519 of the BRCA2 protein (p.Pro1519His).

University of Washington Department of Laboratory Medicine, University of Washington
Classification: Likely benign for Hereditary cancer-predisposing syndrome. Last evaluated: 2023-03-23. Review status: criteria provided, single submitter. Criteria: Dines et al. (Genet Med. 2020). Collection method: curation. Allele origin: germline.
Comment: Missense variant in a coldspot region where missense variants are very unlikely to be pathogenic (PMID:31911673).

BRCA2 exon 11 coldspot. Reclassification based on statistical prior probability.

NM_000059.4(BRCA2):c.4556C>A (p.Pro1519His)

Gene: BRCA2 (BRCA2 DNA repair associated; plus strand). Cytogenetic location: 13q13.1.
Variant type: single nucleotide variant.
Coding change: c.4556C>A on transcript NM_000059.4 (MANE Select); coding-DNA position 4556, C replaced by A.
Protein change: p.Pro1519His; replaces proline 1519 with histidine.
Molecular consequence: missense variant.
Genome position (GRCh38, 1-based): chr13:32,338,911, C>A. VCF-style: chr13-32338911-C-A. GRCh37 (hg19) VCF-style: chr13-32913048-C-A.
Other names: c.4556C>A (NM_000059.3); short protein forms P1519H.
Identifiers: ClinVar variation 1063864 (VCV001063864.9), dbSNP rs587781534, ClinGen allele CA387781814.